The following is an entry in ClinVar:

NM_003072.5(SMARCA4):c.390C>T (p.Ala130=)

Gene: SMARCA4 (SWI/SNF related BAF chromatin remodeling complex subunit ATPase 4; plus strand). Cytogenetic location: 19p13.2.
Variant type: single nucleotide variant.
Coding change: c.390C>T on transcript NM_003072.5 (MANE Select); coding-DNA position 390, C replaced by T.
Protein change: p.Ala130=; no amino-acid change (alanine 130 retained).
Molecular consequence: synonymous variant. On other transcripts: non-coding transcript variant (1).
Genome position (GRCh38, 1-based): chr19:10,986,223, C>T. VCF-style: chr19-10986223-C-T. GRCh37 (hg19) VCF-style: chr19-11096899-C-T.
Other names: c.390C>T, p.Ala130= (NM_001128844.3, NM_001128845.2, NM_001128846.2 and 4 more transcripts).
Identifiers: ClinVar variation 794462 (VCV000794462.14), dbSNP rs1423034658, ClinGen allele CA505488544.

ClinVar aggregate classification (germline): Benign/Likely benign. Review status: criteria provided, multiple submitters, no conflicts (2 of 4 stars). 3 submissions from 3 submitters: Benign (1); Likely benign (2). Last evaluated 2026-07-08.

Conditions:
Hereditary cancer-predisposing syndrome. Also called: Hereditary neoplastic syndrome; Neoplastic Syndromes, Hereditary; Tumor predisposition; Hereditary Cancer Syndrome. Identifiers: Orphanet 140162, MedGen C0027672, MeSH D009386, MONDO:0015356.
Rhabdoid tumor predisposition syndrome 2 (RTPS2). Identifiers: Orphanet 231108, Orphanet 69077, MedGen C2750074, MONDO:0013224, OMIM 613325.

Allele frequency attached by ClinVar (database versions not stated): gnomAD exomes below 0.00001; TOPMed 0.00002; gnomAD 0.00002.
gnomAD v4.1: 5 of 1,613,838 alleles (0.00031%); highest among the groups gnomAD compares: African/African-American, 0.0053%; no homozygotes.

Submissions (3):

Myriad Genetics, Inc.
Classification: Benign for Rhabdoid tumor predisposition syndrome 2. Last evaluated: 2026-07-08. Review status: criteria provided, single submitter. Criteria: Myriad Autosomal Dominant, Autosomal Recessive and X-Linked Classification Criteria (2023). Collection method: clinical testing. Allele origin: unknown.
Comment: This variant is considered benign. This variant is a silent/synonymous amino acid change and it is not expected to impact splicing.

Labcorp Genetics (formerly Invitae), Labcorp
Classification: Likely benign for Rhabdoid tumor predisposition syndrome 2. Last evaluated: 2025-10-13. Review status: criteria provided, single submitter. Criteria: Invitae Variant Classification Sherloc (09022015). Collection method: clinical testing. Allele origin: germline.

Ambry Genetics
Classification: Likely benign for Hereditary cancer-predisposing syndrome. Last evaluated: 2022-01-31. Review status: criteria provided, single submitter. Criteria: Ambry Variant Classification Scheme 2023. Collection method: clinical testing. Allele origin: germline.